The following is an entry in ClinVar:

ClinVar aggregate classification (germline): Uncertain significance. Review status: criteria provided, multiple submitters, no conflicts (2 of 4 stars). 2 submissions from 2 submitters: Uncertain significance (2). Last evaluated 2026-01-22.

Allele frequency attached by ClinVar (database versions not stated): gnomAD exomes 0.00001; ExAC 0.00002; gnomAD 0.00002; 1000 Genomes Project 0.00020; 1000 Genomes Project 30x 0.00031.
gnomAD v4.1: 18 of 1,613,750 alleles (0.0011%); highest among the groups gnomAD compares: African/African-American, 0.013%; no homozygotes.

Submissions (2):

Women's Health and Genetics/Laboratory Corporation of America, LabCorp
Classification: Uncertain significance. Last evaluated: 2026-01-22. Review status: criteria provided, single submitter. Criteria: LabCorp Variant Classification Summary - May 2015. Collection method: clinical testing. Allele origin: germline.

Labcorp Genetics (formerly Invitae), Labcorp
Classification: Uncertain significance. Last evaluated: 2022-08-23. Review status: criteria provided, single submitter. Criteria: Invitae Variant Classification Sherloc (09022015). Collection method: clinical testing. Allele origin: germline.
Comment: This sequence change falls in intron 16 of the COL7A1 gene. It does not directly change the encoded amino acid sequence of the COL7A1 protein. It affects a nucleotide within the consensus splice site. This variant is present in population databases (rs550092378, gnomAD 0.01%). This variant has not been reported in the literature in individuals affected with COL7A1-related conditions. Variants that disrupt the consensus splice site are a relatively common cause of aberrant splicing (PMID: 17576681, 9536098). Algorithms developed to predict the effect of sequence changes on RNA splicing suggest that this variant may create or strengthen a splice site. In summary, the available evidence is currently insufficient to determine the role of this variant in disease. Therefore, it has been classified as a Variant of Uncertain Significance.

Literature cited by the submitters: PubMed 17576681 (cited by Labcorp Genetics (formerly Invitae), Labcorp); PubMed 9536098 (cited by Labcorp Genetics (formerly Invitae), Labcorp).

NM_000094.4(COL7A1):c.2170+3G>A

Gene: COL7A1 (collagen type VII alpha 1 chain; minus strand). Cytogenetic location: 3p21.31.
Variant type: single nucleotide variant.
Coding change: c.2170+3G>A on transcript NM_000094.4 (MANE Select); 3 bases into the intron after coding-DNA position 2170, G replaced by A.
Molecular consequence: intron variant.
Genome position (GRCh38, 1-based): chr3:48,589,596, C>T on the plus strand (G>A on the coding strand, the complement: COL7A1 is on the minus strand). VCF-style: chr3-48589596-C-T. GRCh37 (hg19) VCF-style: chr3-48627029-C-T.
Identifiers: ClinVar variation 2147234 (VCV002147234.2), dbSNP rs550092378, ClinGen allele CA2380978.